The following is an entry in ClinVar:

ClinVar aggregate classification (germline): Likely pathogenic. Review status: criteria provided, multiple submitters, no conflicts (2 of 4 stars). 2 submissions from 2 submitters: Likely pathogenic (2). Last evaluated 2024-12-13.

Conditions:
Seizure. Also called: Seizures. Identifiers: MedGen C0036572, HP:0001250.
EPILEPSY, CHILDHOOD ABSENCE, SUSCEPTIBILITY TO, 2 (ECA2). Identifiers: Orphanet 64280, MedGen C1843244, OMIM 607681.
Febrile seizures, familial, 8 (FEB8). Also called: CONVULSIONS, FAMILIAL FEBRILE, 8. Identifiers: Orphanet 36387, MedGen C1969810, MONDO:0011891, OMIM 607681.

Submissions (2):

Cytogénomique, Hospices Civils de Lyon
Classification: Likely pathogenic for Seizure. Last evaluated: 2024-12-13. Review status: criteria provided, single submitter. Criteria: ACMG Guidelines, 2015. Collection method: clinical testing. Allele origin: unknown. Affected: yes.

Labcorp Genetics (formerly Invitae), Labcorp
Classification: Likely pathogenic for Febrile seizures, familial, 8; EPILEPSY, CHILDHOOD ABSENCE, SUSCEPTIBILITY TO, 2. Last evaluated: 2024-02-24. Review status: criteria provided, single submitter. Criteria: Invitae Variant Classification Sherloc (09022015). Collection method: clinical testing. Allele origin: germline.
Comment: This sequence change replaces valine, which is neutral and non-polar, with isoleucine, which is neutral and non-polar, at codon 287 of the GABRG2 protein (p.Val287Ile). This variant is not present in population databases (gnomAD no frequency). This missense change has been observed in individuals with clinical features of GABRG2-related conditions (Invitae). ClinVar contains an entry for this variant (Variation ID: 1017056). Advanced modeling of protein sequence and biophysical properties (such as structural, functional, and spatial information, amino acid conservation, physicochemical variation, residue mobility, and thermodynamic stability) performed at Invitae indicates that this missense variant is expected to disrupt GABRG2 protein function with a positive predictive value of 95%. In summary, the currently available evidence indicates that the variant is pathogenic, but additional data are needed to prove that conclusively. Therefore, this variant has been classified as Likely Pathogenic.

NM_198904.4(GABRG2):c.859G>A (p.Val287Ile)

Gene: GABRG2 (gamma-aminobutyric acid type A receptor subunit gamma2; plus strand). Cytogenetic location: 5q34.
Variant type: single nucleotide variant.
Coding change: c.859G>A on transcript NM_198904.4 (MANE Select); coding-DNA position 859, G replaced by A.
Protein change: p.Val287Ile; replaces valine 287 with isoleucine.
Molecular consequence: missense variant.
Genome position (GRCh38, 1-based): chr5:162,142,253, G>A. VCF-style: chr5-162142253-G-A. GRCh37 (hg19) VCF-style: chr5-161569259-G-A.
Other names: c.859G>A, p.Val287Ile (NM_000816.3, NM_001375340.1); c.850G>A, p.Val284Ile (NM_001375339.1); c.856G>A, p.Val286Ile (NM_001375341.1, NM_001375342.1); c.979G>A, p.Val327Ile (NM_001375343.1, NM_198903.2); c.898G>A, p.Val300Ile (NM_001375344.1); c.793G>A, p.Val265Ile (NM_001375345.1, NM_001375346.1); c.772G>A, p.Val258Ile (NM_001375347.1); c.439G>A, p.Val147Ile (NM_001375348.1, NM_001375350.1); and 1 more; short protein forms V147I, V192I, V258I, V265I, V284I, V286I, V287I, V300I.
Identifiers: ClinVar variation 1017056 (VCV001017056.10), dbSNP rs1764624249, ClinGen allele CA362182141.